The following is an entry in ClinVar:

ClinVar aggregate classification (germline): Likely benign (1 of 4 stars; one submission).

Submission:

Mayo Clinic Laboratories, Mayo Clinic
Classification: Likely benign. Last evaluated: 2025-01-08. Review status: criteria provided, single submitter. Criteria: ACMG Guidelines, 2015. Collection method: clinical testing. Allele origin: germline. Observed: 1 variant allele.
Comment: BP4, BP7

NM_198253.3(TERT):c.933G>T (p.Ser311=)

Gene: TERT (telomerase reverse transcriptase; minus strand). Cytogenetic location: 5p15.33.
Variant type: single nucleotide variant.
Coding change: c.933G>T on transcript NM_198253.3 (MANE Select); coding-DNA position 933, G replaced by T.
Protein change: p.Ser311=; no amino-acid change (serine 311 retained).
Molecular consequence: synonymous variant. On other transcripts: non-coding transcript variant (2).
Genome position (GRCh38, 1-based): chr5:1,293,953, C>A on the plus strand (G>T on the coding strand, the complement: TERT is on the minus strand). VCF-style: chr5-1293953-C-A. GRCh37 (hg19) VCF-style: chr5-1294068-C-A.
Other names: p.Ser311=; c.933G>T, p.Ser311= (NM_001193376.3).
Identifiers: ClinVar variation 4684827 (VCV004684827.1).
Genomic context (GRCh38, chr5:1,293,953, plus strand): 5'-GAAGTGCTTGGTCTCGGCGTACACCGGGGGACAAGGCGTGTCCCAGGGACGTGGTGGCCG[C>A]GATGTGGATGGGGGGCCCGCGTGGTGCTGGCGGCCCACGGATGGGTGGGAGTGGCGCGTG-3'
Protein context (NP_937983.2, residues 301-321): RQHHAGPPST[Ser311=]RPPRPWDTPC